The following is an entry in ClinVar:

ClinVar aggregate classification (germline): Uncertain significance. Review status: criteria provided, multiple submitters, no conflicts (2 of 4 stars). 2 submissions from 2 submitters: Uncertain significance (2). Last evaluated 2025-08-21.

Allele frequency attached by ClinVar (database versions not stated): gnomAD 0.00001 and 0.00005; gnomAD exomes 0.00004 and 0.00010; ExAC 0.00010; 1000 Genomes Project 30x 0.00078; 1000 Genomes Project 0.00100.
gnomAD v4.1: 73 of 1,611,226 alleles (0.0045%); highest among the groups gnomAD compares: South Asian, 0.066%; 1 homozygote.

Submissions (2):

Ambry Genetics
Classification: Uncertain significance. Last evaluated: 2025-08-21. Review status: criteria provided, single submitter. Criteria: Ambry Variant Classification Scheme 2023. Collection method: clinical testing. Allele origin: germline.

Labcorp Genetics (formerly Invitae), Labcorp
Classification: Uncertain significance. Last evaluated: 2021-08-11. Review status: criteria provided, single submitter. Criteria: Invitae Variant Classification Sherloc (09022015). Collection method: clinical testing. Allele origin: germline.
Comment: In summary, the available evidence is currently insufficient to determine the role of this variant in disease. Therefore, it has been classified as a Variant of Uncertain Significance. Algorithms developed to predict the effect of missense changes on protein structure and function are either unavailable or do not agree on the potential impact of this missense change (SIFT: "Not Available"; PolyPhen-2: "Benign"; Align-GVGD: "Not Available"). This variant has not been reported in the literature in individuals affected with NUP160-related conditions. This variant is present in population databases (rs558863897, ExAC 0.07%). This sequence change replaces threonine with isoleucine at codon 988 of the NUP160 protein (p.Thr988Ile). The threonine residue is moderately conserved and there is a moderate physicochemical difference between threonine and isoleucine.

NM_015231.3(NUP160):c.2861C>T (p.Thr954Ile)

Gene: NUP160 (nucleoporin 160; minus strand). Cytogenetic location: 11p11.2.
Variant type: single nucleotide variant.
Coding change: c.2861C>T on transcript NM_015231.3 (MANE Select); coding-DNA position 2861, C replaced by T.
Protein change: p.Thr954Ile; replaces threonine 954 with isoleucine.
Molecular consequence: missense variant. On other transcripts: non-coding transcript variant (1).
Genome position (GRCh38, 1-based): chr11:47,798,396, G>A on the plus strand (C>T on the coding strand, the complement: NUP160 is on the minus strand). VCF-style: chr11-47798396-G-A. GRCh37 (hg19) VCF-style: chr11-47819948-G-A.
Other names: c.2963C>T (NM_015231.1); short protein forms T954I.
Identifiers: ClinVar variation 1348166 (VCV001348166.7), dbSNP rs558863897, ClinGen allele CA5980848.